The following is an entry in ClinVar:

ClinVar aggregate classification (germline): Uncertain significance. Review status: criteria provided, multiple submitters, no conflicts (2 of 4 stars). 2 submissions from 2 submitters: Uncertain significance (2). Last evaluated 2021-10-05.

Submissions (2):

Labcorp Genetics (formerly Invitae), Labcorp
Classification: Uncertain significance. Last evaluated: 2021-10-05. Review status: criteria provided, single submitter. Criteria: Invitae Variant Classification Sherloc (09022015). Collection method: clinical testing. Allele origin: germline.
Comment: This sequence change replaces glycine with arginine at codon 3954 of the LRP2 protein (p.Gly3954Arg). The glycine residue is highly conserved and there is a moderate physicochemical difference between glycine and arginine. In summary, the available evidence is currently insufficient to determine the role of this variant in disease. Therefore, it has been classified as a Variant of Uncertain Significance. Advanced modeling of protein sequence and biophysical properties (such as structural, functional, and spatial information, amino acid conservation, physicochemical variation, residue mobility, and thermodynamic stability) performed at Invitae indicates that this missense variant is expected to disrupt LRP2 protein function. This variant has not been reported in the literature in individuals affected with LRP2-related conditions. This variant is not present in population databases (ExAC no frequency).

Breakthrough Genomics
Classification: Uncertain significance. Review status: criteria provided, single submitter. Criteria: ACMG Guidelines, 2015. Collection method: not provided. Allele origin: germline. Inheritance: Autosomal recessive inheritance. Affected: yes.

NM_004525.3(LRP2):c.11860G>C (p.Gly3954Arg)

Gene: LRP2 (LDL receptor related protein 2; minus strand). Cytogenetic location: 2q31.1.
Variant type: single nucleotide variant.
Coding change: c.11860G>C on transcript NM_004525.3 (MANE Select); coding-DNA position 11860, G replaced by C.
Protein change: p.Gly3954Arg; replaces glycine 3954 with arginine.
Molecular consequence: missense variant.
Genome position (GRCh38, 1-based): chr2:169,162,499, C>G on the plus strand (G>C on the coding strand, the complement: LRP2 is on the minus strand). VCF-style: chr2-169162499-C-G. GRCh37 (hg19) VCF-style: chr2-170019009-C-G.
Other names: short protein forms G3954R.
Identifiers: ClinVar variation 1518113 (VCV001518113.7), dbSNP rs2105370881, ClinGen allele CA349139796.